The following is an entry in ClinVar:

ClinVar aggregate classification (germline): Likely benign (0 of 4 stars; one submission).

Conditions:
PLXNA3-related disorder. Also called: PLXNA3-related condition.

gnomAD v4.1: 1 of 1,209,762 alleles (0.000083%); highest among the groups gnomAD compares: Non-Finnish European, 0.00011%; no homozygotes.

Submission:

PreventionGenetics, part of Exact Sciences
Classification: Likely benign for PLXNA3-related condition. Last evaluated: 2023-09-25. Review status: no assertion criteria provided. Collection method: clinical testing. Allele origin: germline.
Comment: This variant is classified as likely benign based on ACMG/AMP sequence variant interpretation guidelines (Richards et al. 2015 PMID: 25741868, with internal and published modifications).

NM_017514.5(PLXNA3):c.1668G>A (p.Val556=)

Gene: PLXNA3 (plexin A3; plus strand). Cytogenetic location: Xq28.
Variant type: single nucleotide variant.
Coding change: c.1668G>A on transcript NM_017514.5 (MANE Select); coding-DNA position 1668, G replaced by A.
Protein change: p.Val556=; no amino-acid change (valine 556 retained).
Molecular consequence: synonymous variant.
Genome position (GRCh38, 1-based): chrX:154,464,071, G>A. VCF-style: chrX-154464071-G-A. GRCh37 (hg19) VCF-style: chrX-153692414-G-A.
Identifiers: ClinVar variation 3350972 (VCV003350972.1).